The following is an entry in ClinVar:

NM_013266.4(CTNNA3):c.1303A>G (p.Met435Val)

Gene: CTNNA3 (catenin alpha 3; minus strand). Cytogenetic location: 10q21.3.
Variant type: single nucleotide variant.
Coding change: c.1303A>G on transcript NM_013266.4 (MANE Select); coding-DNA position 1303, A replaced by G.
Protein change: p.Met435Val; replaces methionine 435 with valine.
Molecular consequence: missense variant.
Genome position (GRCh38, 1-based): chr10:66,621,763, T>C on the plus strand (A>G on the coding strand, the complement: CTNNA3 is on the minus strand). VCF-style: chr10-66621763-T-C. GRCh37 (hg19) VCF-style: chr10-68381521-T-C.
Other names: c.1303A>G, p.Met435Val (NM_001127384.3); short protein forms M435V.
Identifiers: ClinVar variation 220977 (VCV000220977.17), dbSNP rs377404952, ClinGen allele CA348050.
Genomic context (GRCh38, chr10:66,621,763, plus strand): 5'-AGGTTTCCAAATGATTGGCTGCAATTTTGACAATTTTAATTCCATCTTCATTTGTTGACA[T>C]GGAACAAGCAAGATTTGCCACCTTAAATACAATCCAAAATAATGGAAATTATTTTAGATT-3'
Protein context (NP_037398.2, residues 425-445): LVEVANLACS[Met435Val]STNEDGIKIV

ClinVar aggregate classification (germline): Conflicting classifications of pathogenicity. Review status: criteria provided, conflicting classifications (1 of 4 stars). 6 submissions from 6 submitters: Uncertain significance (2); Likely benign (3). 1 of the submissions does not count toward it. Last evaluated 2026-01-16.

Conditions:
CTNNA3-related disorder. Also called: CTNNA3-related condition.
Arrhythmogenic right ventricular dysplasia 13. Also called: ARRHYTHMOGENIC RIGHT VENTRICULAR CARDIOMYOPATHY 13; Arrhythmogenic right ventricular dysplasia, familial, 13. Identifiers: MedGen C3810138, MONDO:0000908, OMIM 615616.

Allele frequency attached by ClinVar (database versions not stated): ExAC 0.00006; gnomAD exomes 0.00007; gnomAD 0.00008 and 0.00011; TOPMed 0.00013.
gnomAD v4.1: 113 of 1,609,662 alleles (0.007%); highest among the groups gnomAD compares: East Asian, 0.031%; 3 homozygotes.

Submissions (6):

Labcorp Genetics (formerly Invitae), Labcorp
Classification: Uncertain significance for Arrhythmogenic right ventricular dysplasia 13. Last evaluated: 2026-01-16. Review status: criteria provided, single submitter. Criteria: Invitae Variant Classification Sherloc (09022015). Collection method: clinical testing. Allele origin: germline.
Comment: This sequence change replaces methionine, which is neutral and non-polar, with valine, which is neutral and non-polar, at codon 435 of the CTNNA3 protein (p.Met435Val). This variant is present in population databases (rs377404952, gnomAD 0.06%), and has an allele count higher than expected for a pathogenic variant. This variant has not been reported in the literature in individuals affected with CTNNA3-related conditions. ClinVar contains an entry for this variant (Variation ID: 220977). Invitae Evidence Modeling of protein sequence and biophysical properties (such as structural, functional, and spatial information, amino acid conservation, physicochemical variation, residue mobility, and thermodynamic stability) indicates that this missense variant is not expected to disrupt CTNNA3 protein function with a negative predictive value of 80%. In summary, the available evidence is currently insufficient to determine the role of this variant in disease. Therefore, it has been classified as a Variant of Uncertain Significance.

Blueprint Genetics
Classification: Likely benign. Last evaluated: 2024-11-11. Review status: criteria provided, single submitter. Criteria: ACMG Guidelines, 2015. Collection method: clinical testing. Allele origin: germline.

Revvity Omics, Revvity
Classification: Likely benign for Arrhythmogenic right ventricular dysplasia 13. Last evaluated: 2023-06-01. Review status: criteria provided, single submitter. Criteria: ACMG Guidelines, 2015. Collection method: clinical testing. Allele origin: germline.

GeneDx
Classification: Likely benign. Last evaluated: 2020-04-07. Review status: criteria provided, single submitter. Criteria: GeneDx Variant Classification Process June 2021. Collection method: clinical testing. Allele origin: germline. Affected: yes.

Fulgent Genetics
Classification: Uncertain significance for Arrhythmogenic right ventricular dysplasia 13. Last evaluated: 2018-10-31. Review status: criteria provided, single submitter. Criteria: ACMG Guidelines, 2015. Collection method: clinical testing. Allele origin: unknown.

PreventionGenetics, part of Exact Sciences
Classification: Likely benign for CTNNA3-related condition. Last evaluated: 2022-02-16. Review status: no assertion criteria provided. Collection method: clinical testing. Allele origin: germline. Not counted in ClinVar's aggregate classification.
Comment: This variant is classified as likely benign based on ACMG/AMP sequence variant interpretation guidelines (Richards et al. 2015 PMID: 25741868, with internal and published modifications).